The following is an entry in ClinVar:

ClinVar aggregate classification (germline): Uncertain significance (1 of 4 stars; one submission).

Conditions:
Inborn genetic diseases. Identifiers: MedGen C0950123, MeSH D030342.

Submission:

Ambry Genetics
Classification: Uncertain significance for Inborn genetic diseases. Last evaluated: 2025-05-25. Review status: criteria provided, single submitter. Criteria: Ambry Variant Classification Scheme 2023. Collection method: clinical testing. Allele origin: germline.
Comment: The p.V525A variant (also known as c.1574T>C), located in coding exon 1 of the SAMD9L gene, results from a T to C substitution at nucleotide position 1574. The valine at codon 525 is replaced by alanine, an amino acid with similar properties. This amino acid position is conserved. In addition, this alteration is predicted to be tolerated by in silico analysis. Based on the available evidence, the clinical significance of this variant remains unclear.

NM_152703.5(SAMD9L):c.1574T>C (p.Val525Ala)

Gene: SAMD9L (sterile alpha motif domain containing 9 like; minus strand). Cytogenetic location: 7q21.2.
Variant type: single nucleotide variant.
Coding change: c.1574T>C on transcript NM_152703.5 (MANE Select); coding-DNA position 1574, T replaced by C.
Protein change: p.Val525Ala; replaces valine 525 with alanine.
Molecular consequence: missense variant.
Genome position (GRCh38, 1-based): chr7:93,134,398, A>G on the plus strand (T>C on the coding strand, the complement: SAMD9L is on the minus strand). VCF-style: chr7-93134398-A-G. GRCh37 (hg19) VCF-style: chr7-92763711-A-G.
Other names: c.1574T>C, p.Val525Ala (NM_001303496.3, NM_001303497.3, NM_001303498.3 and 5 more transcripts); short protein forms V525A.
Identifiers: ClinVar variation 3949959 (VCV003949959.1).